The following is an entry in ClinVar:

NM_001079827.2(CLRN2):c.210A>G (p.Lys70=)

Gene: CLRN2 (clarin 2; plus strand). Cytogenetic location: 4p15.32.
Variant type: single nucleotide variant.
Coding change: c.210A>G on transcript NM_001079827.2 (MANE Select); coding-DNA position 210, A replaced by G.
Protein change: p.Lys70=; no amino-acid change (lysine 70 retained).
Molecular consequence: synonymous variant.
Genome position (GRCh38, 1-based): chr4:17,515,476, A>G. VCF-style: chr4-17515476-A-G. GRCh37 (hg19) VCF-style: chr4-17517099-A-G.
Identifiers: ClinVar variation 4980061 (VCV004980061.1).

ClinVar aggregate classification (germline): Benign (1 of 4 stars; one submission).

Conditions:
CLRN2-related disorder. Also called: CLRN2-related condition.

gnomAD v4.1: 1,608,263 of 1,613,992 alleles (100%); highest among the groups gnomAD compares: East Asian, 100%; 801,442 homozygotes.

Submission:

PreventionGenetics, part of Exact Sciences
Classification: Benign for CLRN2-related condition. Last evaluated: 2025-04-28. Review status: criteria provided, single submitter. Criteria: ACMG Guidelines, 2015. Collection method: clinical testing. Allele origin: germline.
Comment: This variant is classified as benign based on ACMG/AMP sequence variant interpretation guidelines (Richards et al. 2015 PMID: 25741868, with internal and published modifications).